The following is an entry in ClinVar:

NM_000026.4(ADSL):c.1060A>G (p.Thr354Ala)

Gene: ADSL (adenylosuccinate lyase; plus strand). Cytogenetic location: 22q13.1.
Variant type: single nucleotide variant.
Coding change: c.1060A>G on transcript NM_000026.4 (MANE Select); coding-DNA position 1060, A replaced by G.
Protein change: p.Thr354Ala; replaces threonine 354 with alanine.
Molecular consequence: missense variant. On other transcripts: non-coding transcript variant (1).
Genome position (GRCh38, 1-based): chr22:40,363,030, A>G. VCF-style: chr22-40363030-A-G. GRCh37 (hg19) VCF-style: chr22-40759034-A-G.
Other names: p.T354A:ACG>GCG; c.1060A>G, p.Thr354Ala (NM_001123378.3, NM_001363840.3); c.868A>G, p.Thr290Ala (NM_001317923.2); c.1060A>G (NM_000026.3); short protein forms T354A, T290A.
Identifiers: ClinVar variation 193545 (VCV000193545.14), dbSNP rs75953451, ClinGen allele CA239081.

ClinVar aggregate classification (germline): Uncertain significance. Review status: criteria provided, multiple submitters, no conflicts (2 of 4 stars). 5 submissions from 5 submitters: Uncertain significance (5). Last evaluated 2025-06-24.

Conditions:
ADSL-related disorder. Also called: ADSL-related condition.
Adenylosuccinate lyase deficiency (ADSLD). Also called: ADSL DEFICIENCY. Identifiers: Orphanet 46, MedGen C0268126, MONDO:0007068, OMIM 103050.

Allele frequency attached by ClinVar (database versions not stated): gnomAD 0.00006 and 0.00005; TOPMed 0.00006; gnomAD exomes 0.00015 and 0.00004; 1000 Genomes Project 0.00020; 1000 Genomes Project 30x 0.00031; ExAC 0.00002.
gnomAD v4.1: 223 of 1,614,148 alleles (0.014%); highest among the groups gnomAD compares: Non-Finnish European, 0.018%; no homozygotes.

Submissions (5):

PreventionGenetics, part of Exact Sciences
Classification: Uncertain significance for ADSL-related condition. Last evaluated: 2025-06-24. Review status: criteria provided, single submitter. Criteria: ACMG Guidelines, 2015. Collection method: clinical testing. Allele origin: germline.
Comment: The ADSL c.1060A>G variant is predicted to result in the amino acid substitution p.Thr354Ala. To our knowledge, this variant has not been reported in the literature. This variant is reported in 0.0088% of alleles in individuals of European (Non-Finnish) descent in gnomAD. At this time, the clinical significance of this variant is uncertain due to the absence of conclusive functional and genetic evidence.

Labcorp Genetics (formerly Invitae), Labcorp
Classification: Uncertain significance for Adenylosuccinate lyase deficiency. Last evaluated: 2024-11-21. Review status: criteria provided, single submitter. Criteria: Invitae Variant Classification Sherloc (09022015). Collection method: clinical testing. Allele origin: germline.
Comment: This sequence change replaces threonine, which is neutral and polar, with alanine, which is neutral and non-polar, at codon 354 of the ADSL protein (p.Thr354Ala). This variant is present in population databases (rs75953451, gnomAD 0.008%). This variant has not been reported in the literature in individuals affected with ADSL-related conditions. ClinVar contains an entry for this variant (Variation ID: 193545). Invitae Evidence Modeling of protein sequence and biophysical properties (such as structural, functional, and spatial information, amino acid conservation, physicochemical variation, residue mobility, and thermodynamic stability) indicates that this missense variant is not expected to disrupt ADSL protein function with a negative predictive value of 80%. In summary, the available evidence is currently insufficient to determine the role of this variant in disease. Therefore, it has been classified as a Variant of Uncertain Significance.

GeneDx
Classification: Uncertain significance. Last evaluated: 2018-02-22. Review status: criteria provided, single submitter. Criteria: GeneDx Variant Classification (06012015). Collection method: clinical testing. Allele origin: germline. Affected: yes.
Comment: A variant of uncertain significance has been identified in the ADSL gene. The T354A variant has not been published as a pathogenic variant, nor has it been reported as a benign variant to our knowledge. The T354A variant is observed in 10/126,720 (0.008%) alleles from individuals of European background in large population cohorts (Lek et al., 2016). The T354A variant is a non-conservative amino acid substitution, which is likely to impact secondary protein structure as these residues differ in polarity, charge, size and/or other properties. In-silico analyses, including protein predictors and evolutionary conservation, support a deleterious effect. Based on the currently available information, it is unclear whether this variant is a pathogenic variant or a rare benign variant.

Center for Pediatric Genomic Medicine, Children's Mercy Hospital and Clinics
Classification: Uncertain significance. Last evaluated: 2016-08-30. Review status: criteria provided, single submitter. Criteria: ACMG Guidelines, 2015. Collection method: clinical testing. Allele origin: germline.
ClinVar note: Converted during submission from Uncertain Significance to Uncertain significance.

Eurofins Ntd Llc (ga)
Classification: Uncertain significance. Last evaluated: 2015-04-03. Review status: criteria provided, single submitter. Criteria: EGL Classification Definitions 2015. Collection method: clinical testing. Allele origin: germline. Observed: 1 variant allele, 1 heterozygote.